The following is an entry in ClinVar:

ClinVar aggregate classification (germline): Benign/Likely benign. Review status: criteria provided, multiple submitters, no conflicts (2 of 4 stars). 4 submissions from 4 submitters: Benign (1); Likely benign (3). Last evaluated 2024-07-04.

Conditions:
Adams-Oliver syndrome 5 (AOS5). Identifiers: Orphanet 974, MedGen C4014970, MONDO:0014459, OMIM 616028.
Familial thoracic aortic aneurysm and aortic dissection (TAAD). Also called: Thoracic aortic aneurysms and dissections. Identifiers: Orphanet 91387, MedGen C4707243, MONDO:0019625.

Allele frequency attached by ClinVar (database versions not stated): TOPMed below 0.00001; ExAC 0.00002; gnomAD exomes 0.00002.
gnomAD v4.1: 33 of 1,612,778 alleles (0.002%); highest among the groups gnomAD compares: Admixed American, 0.005%; no homozygotes.

Submissions (4):

Labcorp Genetics (formerly Invitae), Labcorp
Classification: Benign for Adams-Oliver syndrome 5. Last evaluated: 2024-07-04. Review status: criteria provided, single submitter. Criteria: Invitae Variant Classification Sherloc (09022015). Collection method: clinical testing. Allele origin: germline.

CeGaT Center for Human Genetics Tuebingen
Classification: Likely benign. Last evaluated: 2022-03-01. Review status: criteria provided, single submitter. Criteria: CeGaT Center For Human Genetics Tuebingen Variant Classification Criteria Version 2. Collection method: clinical testing. Allele origin: germline. Affected: yes. Observed: 1 variant allele.
Comment: NOTCH1: BP4, BP7

Ambry Genetics
Classification: Likely benign for Familial thoracic aortic aneurysm and aortic dissection. Last evaluated: 2017-05-08. Review status: criteria provided, single submitter. Criteria: Ambry Variant Classification Scheme 2023. Collection method: clinical testing. Allele origin: germline.

GeneDx
Classification: Likely benign. Last evaluated: 2016-11-29. Review status: criteria provided, single submitter. Criteria: GeneDx Variant Classification (06012015). Collection method: clinical testing. Allele origin: germline. Affected: yes.
Comment: This variant is considered likely benign or benign based on one or more of the following criteria: it is a conservative change, it occurs at a poorly conserved position in the protein, it is predicted to be benign by multiple in silico algorithms, and/or has population frequency not consistent with disease.

NM_017617.5(NOTCH1):c.5562C>T (p.Arg1854=)

Gene: NOTCH1 (notch receptor 1; minus strand). Cytogenetic location: 9q34.3.
Variant type: single nucleotide variant.
Coding change: c.5562C>T on transcript NM_017617.5 (MANE Select); coding-DNA position 5562, C replaced by T.
Protein change: p.Arg1854=; no amino-acid change (arginine 1854 retained).
Molecular consequence: synonymous variant.
Genome position (GRCh38, 1-based): chr9:136,501,824, G>A on the plus strand (C>T on the coding strand, the complement: NOTCH1 is on the minus strand). VCF-style: chr9-136501824-G-A. GRCh37 (hg19) VCF-style: chr9-139396276-G-A.
Other names: c.5562C>T, p.Arg1854= (LRG_1122t1).
Identifiers: ClinVar variation 391293 (VCV000391293.35), dbSNP rs777125560, ClinGen allele CA5340210.